The following is an entry in ClinVar:

NM_001040142.2(SCN2A):c.367A>G (p.Ile123Val)

Gene: SCN2A (sodium voltage-gated channel alpha subunit 2; plus strand). Cytogenetic location: 2q24.3.
Variant type: single nucleotide variant.
Coding change: c.367A>G on transcript NM_001040142.2 (MANE Select); coding-DNA position 367, A replaced by G.
Protein change: p.Ile123Val; replaces isoleucine 123 with valine.
Molecular consequence: missense variant.
Genome position (GRCh38, 1-based): chr2:165,297,116, A>G. VCF-style: chr2-165297116-A-G. GRCh37 (hg19) VCF-style: chr2-166153626-A-G.
Other names: c.367A>G, p.Ile123Val (NM_001040143.2, NM_001371246.1, NM_001371247.1 and 1 more transcripts); short protein forms I123V.
Identifiers: ClinVar variation 808842 (VCV000808842.48), dbSNP rs1396703741, ClinGen allele CA349011921.
Genomic context (GRCh38, chr2:165,297,116, plus strand): 5'-TTCAGTGCCACCCCTGCCCTTTACATTTTAACTCCCTTCAACCCTATTAGAAAATTAGCT[A>G]TTAAGATTTTGGTACATTCATATCCTTTTTCAAATCGTCACTTAATATGATTTTCTTCTT-3'
Protein context (NP_001035232.1, residues 113-133): TPFNPIRKLA[Ile123Val]KILVHSLFNM

ClinVar aggregate classification (germline): Uncertain significance. Review status: criteria provided, multiple submitters, no conflicts (2 of 4 stars). 3 submissions from 3 submitters: Uncertain significance (3). Last evaluated 2022-08-20.

Conditions:
Inborn genetic diseases. Identifiers: MedGen C0950123, MeSH D030342.
Seizures, benign familial infantile, 3 (BFIS3). Also called: CONVULSIONS, BENIGN FAMILIAL INFANTILE, 3; Familial neonatal seizures. Identifiers: Orphanet 140927, Orphanet 306, MedGen C1843140, MONDO:0011904, OMIM 607745.
Developmental and epileptic encephalopathy, 11 (DEE11). Also called: Early infantile epileptic encephalopathy 11. Identifiers: Orphanet 1934, MedGen C3150987, MONDO:0013388, OMIM 613721.

Allele frequency attached by ClinVar (database versions not stated): gnomAD exomes below 0.00001 and 0.00001.
gnomAD v4.1: 7 of 1,596,188 alleles (0.00044%); highest among the groups gnomAD compares: Non-Finnish European, 0.0006%; no homozygotes.

Submissions (3):

Labcorp Genetics (formerly Invitae), Labcorp
Classification: Uncertain significance for Seizures, benign familial infantile, 3; Developmental and epileptic encephalopathy, 11. Last evaluated: 2022-08-20. Review status: criteria provided, single submitter. Criteria: Invitae Variant Classification Sherloc (09022015). Collection method: clinical testing. Allele origin: germline.
Comment: In summary, the available evidence is currently insufficient to determine the role of this variant in disease. Therefore, it has been classified as a Variant of Uncertain Significance. Algorithms developed to predict the effect of missense changes on protein structure and function are either unavailable or do not agree on the potential impact of this missense change (SIFT: "Deleterious"; PolyPhen-2: "Possibly Damaging"; Align-GVGD: "Class C0"). ClinVar contains an entry for this variant (Variation ID: 808842). This variant has not been reported in the literature in individuals affected with SCN2A-related conditions. The frequency data for this variant in the population databases is considered unreliable, as metrics indicate poor data quality at this position in the gnomAD database. This sequence change replaces isoleucine, which is neutral and non-polar, with valine, which is neutral and non-polar, at codon 123 of the SCN2A protein (p.Ile123Val).

CeGaT Center for Human Genetics Tuebingen
Classification: Uncertain significance. Last evaluated: 2019-05-01. Review status: criteria provided, single submitter. Criteria: CeGaT Center For Human Genetics Tuebingen Variant Classification Criteria Version 2. Collection method: clinical testing. Allele origin: germline. Affected: yes. Observed: 2 variant alleles.

Ambry Genetics
Classification: Uncertain significance for Inborn genetic diseases. Last evaluated: 2018-01-19. Review status: criteria provided, single submitter. Criteria: Ambry Variant Classification Scheme 2023. Collection method: clinical testing. Allele origin: germline.
Comment: The p.I123V variant (also known as c.367A>G), located in coding exon 2 of the SCN2A gene, results from an A to G substitution at nucleotide position 367. The isoleucine at codon 123 is replaced by valine, an amino acid with highly similar properties. This amino acid position is highly conserved in available vertebrate species. In addition, the in silico prediction for this alteration is inconclusive. Since supporting evidence is limited at this time, the clinical significance of this alteration remains unclear.